The following is an entry in ClinVar:

ClinVar aggregate classification (germline): Uncertain significance. Review status: criteria provided, multiple submitters, no conflicts (2 of 4 stars). 2 submissions from 2 submitters: Uncertain significance (2). Last evaluated 2024-06-07.

Conditions:
Stankiewicz-Isidor syndrome (STISS). Identifiers: MedGen C4479599, MONDO:0054591, OMIM 617516.
Inborn genetic diseases. Identifiers: MedGen C0950123, MeSH D030342.

Allele frequency attached by ClinVar (database versions not stated): TOPMed below 0.00001; ExAC 0.00001; gnomAD 0.00001; gnomAD exomes 0.00001.
gnomAD v4.1: 13 of 1,613,528 alleles (0.00081%); highest among the groups gnomAD compares: Non-Finnish European, 0.0011%; no homozygotes.

Submissions (2):

Laboratorio de Genetica e Diagnostico Molecular, Hospital Israelita Albert Einstein
Classification: Uncertain significance for Stankiewicz-Isidor syndrome. Last evaluated: 2024-06-07. Review status: criteria provided, single submitter. Criteria: ACMG Guidelines, 2015. Collection method: clinical testing. Allele origin: germline. Affected: yes.
Comment: ACMG classification criteria: PM2 supporting, BP4 supporting

Ambry Genetics
Classification: Uncertain significance for Inborn genetic diseases. Last evaluated: 2021-07-09. Review status: criteria provided, single submitter. Criteria: Ambry Variant Classification Scheme 2023. Collection method: clinical testing. Allele origin: germline.

NM_002816.5(PSMD12):c.1017T>A (p.Asp339Glu)

Gene: PSMD12 (proteasome 26S subunit, non-ATPase 12; minus strand). Cytogenetic location: 17q24.2.
Variant type: single nucleotide variant.
Coding change: c.1017T>A on transcript NM_002816.5 (MANE Select); coding-DNA position 1017, T replaced by A.
Protein change: p.Asp339Glu; replaces aspartic acid 339 with glutamic acid.
Molecular consequence: missense variant.
Genome position (GRCh38, 1-based): chr17:67,344,672, A>T on the plus strand (T>A on the coding strand, the complement: PSMD12 is on the minus strand). VCF-style: chr17-67344672-A-T. GRCh37 (hg19) VCF-style: chr17-65340788-A-T.
Other names: c.840T>A, p.Asp280Glu (NM_001316341.2); c.957T>A, p.Asp319Glu (NM_174871.4); short protein forms D280E, D319E, D339E.
Identifiers: ClinVar variation 2224944 (VCV002224944.3), dbSNP rs757033963, ClinGen allele CA8723625.